The following is an entry in ClinVar:

ClinVar aggregate classification (germline): Uncertain significance (1 of 4 stars; one submission).

Allele frequency attached by ClinVar (database versions not stated): ExAC 0.00001.
gnomAD v4.1: 4 of 1,614,170 alleles (0.00025%); highest among the groups gnomAD compares: Admixed American, 0.0067%; no homozygotes.

Submission:

Labcorp Genetics (formerly Invitae), Labcorp
Classification: Uncertain significance. Last evaluated: 2022-09-27. Review status: criteria provided, single submitter. Criteria: Invitae Variant Classification Sherloc (09022015). Collection method: clinical testing. Allele origin: germline.
Comment: In summary, the available evidence is currently insufficient to determine the role of this variant in disease. Therefore, it has been classified as a Variant of Uncertain Significance. Algorithms developed to predict the effect of missense changes on protein structure and function output the following: SIFT: "Tolerated"; PolyPhen-2: "Benign"; Align-GVGD: "Class C0". The valine amino acid residue is found in multiple mammalian species, which suggests that this missense change does not adversely affect protein function. This variant has not been reported in the literature in individuals affected with OTOA-related conditions. This variant is present in population databases (rs760306563, gnomAD 0.009%). This sequence change replaces isoleucine, which is neutral and non-polar, with valine, which is neutral and non-polar, at codon 684 of the OTOA protein (p.Ile684Val).

NM_144672.4(OTOA):c.2050A>G (p.Ile684Val)

Gene: OTOA (otoancorin). Cytogenetic location: 16p12.2.
Variant type: single nucleotide variant.
Coding change: c.2050A>G on transcript NM_144672.4 (MANE Select); coding-DNA position 2050, A replaced by G.
Protein change: p.Ile684Val; replaces isoleucine 684 with valine.
Molecular consequence: missense variant.
Genome position (GRCh38, 1-based): chr16:21,728,274, A>G. VCF-style: chr16-21728274-A-G. GRCh37 (hg19) VCF-style: chr16-21739595-A-G.
Other names: c.1813A>G, p.Ile605Val (NM_001161683.2); c.1078A>G, p.Ile360Val (NM_170664.3); short protein forms I360V, I605V, I684V.
Identifiers: ClinVar variation 1961554 (VCV001961554.5), dbSNP rs760306563, ClinGen allele CA7952879.